The following is an entry in ClinVar:

ClinVar aggregate classification (germline): Likely benign. Review status: criteria provided, multiple submitters, no conflicts (2 of 4 stars). 2 submissions from 2 submitters: Likely benign (2). Last evaluated 2025-10-01.

Conditions:
DTNA-related disorder. Also called: DTNA-related condition.
Left ventricular noncompaction 1 (LVNC1). Also called: LEFT VENTRICULAR NONCOMPACTION 1 WITH OR WITHOUT CONGENITAL HEART DEFECTS. Identifiers: Orphanet 54260, MedGen C1858725, MONDO:0011403, OMIM 604169.

Allele frequency attached by ClinVar (database versions not stated): gnomAD 0.00001; gnomAD exomes 0.00001; TOPMed 0.00001.
gnomAD v4.1: 6 of 1,613,818 alleles (0.00037%); highest among the groups gnomAD compares: Admixed American, 0.0083%; no homozygotes.

Submissions (2):

Labcorp Genetics (formerly Invitae), Labcorp
Classification: Likely benign for Left ventricular noncompaction 1. Last evaluated: 2025-10-01. Review status: criteria provided, single submitter. Criteria: Invitae Variant Classification Sherloc (09022015). Collection method: clinical testing. Allele origin: germline.

PreventionGenetics, part of Exact Sciences
Classification: Likely benign for DTNA-related condition. Last evaluated: 2024-11-19. Review status: criteria provided, single submitter. Criteria: ACMG Guidelines, 2015. Collection method: clinical testing. Allele origin: germline.
Comment: This variant is classified as likely benign based on ACMG/AMP sequence variant interpretation guidelines (Richards et al. 2015 PMID: 25741868, with internal and published modifications).

NM_001386795.1(DTNA):c.1533-6C>G

Gene: DTNA (dystrobrevin alpha; plus strand). Cytogenetic location: 18q12.1.
Variant type: single nucleotide variant.
Coding change: c.1533-6C>G on transcript NM_001386795.1 (MANE Select); 6 bases into the intron before coding-DNA position 1533, C replaced by G.
Molecular consequence: intron variant.
Genome position (GRCh38, 1-based): chr18:34,858,279, C>G. VCF-style: chr18-34858279-C-G. GRCh37 (hg19) VCF-style: chr18-32438243-C-G.
Other names: c.1281-6C>G (NM_032975.4, NM_001386761.1, NM_032979.5); c.1278-6C>G (NM_001386762.1); c.1362-6C>G (NM_001386754.1, NM_001386755.1, NM_001386757.1 and 4 more transcripts); c.1359-6C>G (NM_001386760.1); c.1272-6C>G (NM_001386763.1, NM_001386764.1, NM_001386771.1 and 9 more transcripts); c.1269-6C>G (NM_001386768.1, NM_001386773.1, NM_001386769.1 and 1 more transcripts); c.702-6C>G (NM_001198945.2); c.1533-6C>G (NM_001386788.1); and 7 more.
Identifiers: ClinVar variation 935688 (VCV000935688.8), dbSNP rs1238846335, ClinGen allele CA629176412.